The following is an entry in ClinVar:

ClinVar aggregate classification (germline): Pathogenic (1 of 4 stars; one submission).

Conditions:
Familial cancer of breast. Also called: hereditary breast carcinoma; BREAST CANCER, FAMILIAL; Hereditary breast cancer. Identifiers: Orphanet 227535, MedGen C0346153, MONDO:0016419, OMIM 114480. Disease mechanism: loss of function.

Submission:

Labcorp Genetics (formerly Invitae), Labcorp
Classification: Pathogenic for Familial cancer of breast. Last evaluated: 2021-12-24. Review status: criteria provided, single submitter. Criteria: Invitae Variant Classification Sherloc (09022015). Collection method: clinical testing. Allele origin: germline.
Comment: For these reasons, this variant has been classified as Pathogenic. This variant has not been reported in the literature in individuals affected with PALB2-related conditions. This variant is not present in population databases (gnomAD no frequency). This sequence change creates a premature translational stop signal (p.Asn368Argfs*3) in the PALB2 gene. It is expected to result in an absent or disrupted protein product. Loss-of-function variants in PALB2 are known to be pathogenic (PMID: 17200668, 17200671, 17200672, 24136930, 25099575).

Literature cited by the submitters: PubMed 17200668; PubMed 17200671; PubMed 17200672; PubMed 24136930; PubMed 25099575.

NM_024675.4(PALB2):c.1103_1110del (p.Asn368fs)

Gene: PALB2 (partner and localizer of BRCA2; minus strand). Cytogenetic location: 16p12.2.
Variant type: Deletion.
Coding change: c.1103_1110del on transcript NM_024675.4 (MANE Select); coding-DNA positions 1103 to 1110, 8 bases deleted (ATCTTCAG; older notation c.1103_1110delATCTTCAG).
Protein change: p.Asn368fs; shifts the reading frame from asparagine 368.
Molecular consequence: frameshift variant.
Genome position (GRCh38, 1-based): chr16:23,635,436-23,635,443, CTGAAGAT deleted on the plus strand (ATCTTCAG on the coding strand, the reverse complement: PALB2 is on the minus strand). VCF-style (leftmost placement, unchanged base first): chr16-23635435-CCTGAAGAT-C. GRCh37 (hg19) VCF-style: chr16-23646756-CCTGAAGAT-C.
Other names: c.1043_1050delATCTTCAG, p.Asn348Argfs (NM_001407296.1); c.1103_1110delATCTTCAG, p.Asn368Argfs (NM_001407297.1, NM_001407298.1, NM_001407299.1 and 3 more transcripts); c.218_225delATCTTCAG, p.Asn73Argfs (NM_001407304.1, NM_001407305.1, NM_001407306.1 and 5 more transcripts); short protein forms N368fs.
Identifiers: ClinVar variation 2057261 (VCV002057261.4), dbSNP rs2506488587, ClinGen allele CA2580091314.